The following is an entry in ClinVar:

NM_001166108.2(PALLD):c.2008G>A (p.Asp670Asn)

Gene: PALLD (palladin, cytoskeletal associated protein; plus strand). Cytogenetic location: 4q32.3.
Variant type: single nucleotide variant.
Coding change: c.2008G>A on transcript NM_001166108.2 (MANE Select); coding-DNA position 2008, G replaced by A.
Protein change: p.Asp670Asn; replaces aspartic acid 670 with asparagine.
Molecular consequence: missense variant. On other transcripts: 5 prime UTR variant (4).
Genome position (GRCh38, 1-based): chr4:168,890,965, G>A. VCF-style: chr4-168890965-G-A. GRCh37 (hg19) VCF-style: chr4-169812116-G-A.
Other names: c.862G>A, p.Asp288Asn (NM_001166109.2); c.547G>A, p.Asp183Asn (NM_001166110.2); c.-114G>A (NM_001367567.1, NM_001367568.1, NM_001367569.1 and 1 more transcripts); c.2008G>A, p.Asp670Asn (NM_016081.4); short protein forms D670N, D183N, D288N.
Identifiers: ClinVar variation 220606 (VCV000220606.10), dbSNP rs767729090, ClinGen allele CA349351.
Genomic context (GRCh38, chr4:168,890,965, plus strand): 5'-GTGTTTTTATCCTGCAGAGGATTTCCAAAGAAGGCCAGTAGAACTGCTAGAATAGCCTCC[G>A]ATGAGGAAATTCAAGGCACAAAGGATGCTGTTATTCAAGACCTGGAACGAAAACTTCGCT-3'
Protein context (NP_001159580.1, residues 660-680): KASRTARIAS[Asp670Asn]EEIQGTKDAV

ClinVar aggregate classification (germline): Uncertain significance. Review status: criteria provided, multiple submitters, no conflicts (2 of 4 stars). 2 submissions from 2 submitters: Uncertain significance (2). Last evaluated 2025-08-12.

Conditions:
Pancreatic adenocarcinoma. Identifiers: MedGen C0281361, MONDO:0006047, HP:0006725.

Allele frequency attached by ClinVar (database versions not stated): ExAC 0.00002; TOPMed 0.00002; gnomAD exomes 0.00001.
gnomAD v4.1: 12 of 1,613,738 alleles (0.00074%); highest among the groups gnomAD compares: African/African-American, 0.0027%; no homozygotes.

Submissions (2):

Ambry Genetics
Classification: Uncertain significance. Last evaluated: 2025-08-12. Review status: criteria provided, single submitter. Criteria: Ambry Variant Classification Scheme 2023. Collection method: clinical testing. Allele origin: germline.

Labcorp Genetics (formerly Invitae), Labcorp
Classification: Uncertain significance for Pancreatic adenocarcinoma. Last evaluated: 2021-02-10. Review status: criteria provided, single submitter. Criteria: Invitae Variant Classification Sherloc (09022015). Collection method: clinical testing. Allele origin: germline.
Comment: Algorithms developed to predict the effect of missense changes on protein structure and function are either unavailable or do not agree on the potential impact of this missense change (SIFT: "Deleterious"; PolyPhen-2: "Possibly Damaging"; Align-GVGD: "Class C15"). In summary, the available evidence is currently insufficient to determine the role of this variant in disease. Therefore, it has been classified as a Variant of Uncertain Significance. This variant has not been reported in the literature in individuals with PALLD-related conditions. ClinVar contains an entry for this variant (Variation ID: 220606). This variant is present in population databases (rs767729090, ExAC 0.006%). This sequence change replaces aspartic acid with asparagine at codon 183 of the PALLD protein (p.Asp183Asn). The aspartic acid residue is highly conserved and there is a small physicochemical difference between aspartic acid and asparagine.